The following is an entry in ClinVar:

NM_006950.3(SYN1):c.7_9dup (p.Tyr3_Leu4insTyr)

Gene: SYN1 (synapsin I; minus strand). Cytogenetic location: Xp11.23.
Variant type: Duplication.
Coding change: c.7_9dup on transcript NM_006950.3 (MANE Select); coding-DNA positions 7 to 9, 3 bases duplicated (TAC; older notation c.7_9dupTAC).
Protein change: p.Tyr3_Leu4insTyr.
Genome position (GRCh38, 1-based): chrX:47,619,720-47,619,722, GTA duplicated on the plus strand (TAC on the coding strand, the reverse complement: SYN1 is on the minus strand); duplicating any 3 consecutive bases within chrX:47,619,720-47,619,724 gives the same sequence; the c. name uses the placement nearest the transcript's 3' end. VCF-style (leftmost placement, unchanged base first): chrX-47619719-G-GGTA. GRCh37 (hg19) VCF-style: chrX-47479118-G-GGTA.
Other names: c.7_9dup, p.Tyr3_Leu4insTyr (NM_133499.2).
Identifiers: ClinVar variation 3900135 (VCV003900135.1).
Genomic context (GRCh38, chrX:47,619,719, plus strand): 5'-CTGTCATGTACCCATTTGGCAGATTGGCCATAAAGTTGCTGTCCGACAGGCGGCGCCGCA[G>GGTA]GTAGTTCATGGCTGCGACTTGGGGCAGGGGGTCCTAGGGGTGGTCTGGCCAGGAGCCGCG-3'

ClinVar aggregate classification (germline): Uncertain significance (1 of 4 stars; one submission).

Submission:

GeneDx
Classification: Uncertain significance. Last evaluated: 2024-11-24. Review status: criteria provided, single submitter. Criteria: GeneDx Variant Classification Process June 2021. Collection method: clinical testing. Allele origin: germline. Affected: yes.
Comment: In-frame duplication of 1 amino acid(s) in a non-repeat region; Not observed at significant frequency in large population cohorts (gnomAD); Has not been previously published as pathogenic or benign to our knowledge